The following is an entry in ClinVar:

NM_000051.4(ATM):c.1697T>C (p.Val566Ala)

Gene: ATM (ATM serine/threonine kinase; plus strand). Cytogenetic location: 11q22.3.
Variant type: single nucleotide variant.
Coding change: c.1697T>C on transcript NM_000051.4 (MANE Select); coding-DNA position 1697, T replaced by C.
Protein change: p.Val566Ala; replaces valine 566 with alanine.
Molecular consequence: missense variant.
Genome position (GRCh38, 1-based): chr11:108,251,926, T>C. VCF-style: chr11-108251926-T-C. GRCh37 (hg19) VCF-style: chr11-108122653-T-C.
Other names: c.1697T>C, p.Val566Ala (NM_001351834.2); short protein forms V566A.
Identifiers: ClinVar variation 1021179 (VCV001021179.8), dbSNP rs2080172143, ClinGen allele CA382535231.

ClinVar aggregate classification (germline): Uncertain significance (1 of 4 stars; one submission).

Conditions:
Ataxia-telangiectasia syndrome (AT). Also called: ATAXIA-TELANGIECTASIA, FRESNO VARIANT; Ataxia-telangiectasia, complementation group D; AT, COMPLEMENTATION GROUP C; Cerebello-oculocutaneous telangiectasia; Immunodeficiency with ataxia telangiectasia; Ataxia telangiectasia (A-T). Identifiers: Orphanet 100, MedGen C0004135, MONDO:0008840, OMIM 208900.

Allele frequency attached by ClinVar (database versions not stated): TOPMed below 0.00001.

Submission:

Labcorp Genetics (formerly Invitae), Labcorp
Classification: Uncertain significance for Ataxia-telangiectasia syndrome. Last evaluated: 2020-04-14. Review status: criteria provided, single submitter. Criteria: Invitae Variant Classification Sherloc (09022015). Collection method: clinical testing. Allele origin: germline.
Comment: In summary, the available evidence is currently insufficient to determine the role of this variant in disease. Therefore, it has been classified as a Variant of Uncertain Significance. Algorithms developed to predict the effect of missense changes on protein structure and function output the following: SIFT: "Tolerated"; PolyPhen-2: "Benign"; Align-GVGD: "Class C0". The alanine amino acid residue is found in multiple mammalian species, suggesting that this missense change does not adversely affect protein function. These predictions have not been confirmed by published functional studies and their clinical significance is uncertain. This variant has not been reported in the literature in individuals with ATM-related conditions. This variant is not present in population databases (ExAC no frequency). This sequence change replaces valine with alanine at codon 566 of the ATM protein (p.Val566Ala). The valine residue is weakly conserved and there is a small physicochemical difference between valine and alanine.